The following is an entry in ClinVar:

NM_012479.4(YWHAG):c.736A>G (p.Asn246Asp)

Gene: YWHAG (tyrosine 3-monooxygenase/tryptophan 5-monooxygenase activation protein gamma; minus strand). Cytogenetic location: 7q11.23.
Variant type: single nucleotide variant.
Coding change: c.736A>G on transcript NM_012479.4 (MANE Select); coding-DNA position 736, A replaced by G.
Protein change: p.Asn246Asp; replaces asparagine 246 with aspartic acid.
Molecular consequence: missense variant.
Genome position (GRCh38, 1-based): chr7:76,329,585, T>C on the plus strand (A>G on the coding strand, the complement: YWHAG is on the minus strand). VCF-style: chr7-76329585-T-C. GRCh37 (hg19) VCF-style: chr7-75958902-T-C.
Other names: short protein forms N246D.
Identifiers: ClinVar variation 1690825 (VCV001690825.2), dbSNP rs2115587151, ClinGen allele CA367775930.

ClinVar aggregate classification (germline): Uncertain significance (1 of 4 stars; one submission).

Submission:

Laboratorio de Genetica e Diagnostico Molecular, Hospital Israelita Albert Einstein
Classification: Uncertain significance. Last evaluated: 2020-02-25. Review status: criteria provided, single submitter. Criteria: ACMG Guidelines, 2015. Collection method: clinical testing. Allele origin: germline. Affected: yes.
Comment: ACMG classification criteria: PM2, BP4